The following is an entry in ClinVar:

NM_133379.5(TTN):c.13475A>G (p.Asp4492Gly)

Gene: TTN (titin; minus strand). Cytogenetic location: 2q31.2.
Variant type: single nucleotide variant.
Coding change: c.13475A>G on transcript NM_133379.5; coding-DNA position 13475, A replaced by G.
Protein change: p.Asp4492Gly; replaces aspartic acid 4492 with glycine.
Molecular consequence: missense variant. On other transcripts: intron variant (6).
Genome position (GRCh38, 1-based): chr2:178,748,925, T>C on the plus strand (A>G on the coding strand, the complement: TTN is on the minus strand). VCF-style: chr2-178748925-T-C. GRCh37 (hg19) VCF-style: chr2-179613652-T-C.
Other names: p.D4492G:GAC>GGC; c.10222+4199A>G (NM_003319.4); c.10798+4199A>G (NM_133437.4); c.10597+4199A>G (NM_133432.3); c.10360+4199A>G (NM_133378.4, NM_001256850.1); c.11311+4199A>G (NM_001267550.2); short protein forms D4492G.
Identifiers: ClinVar variation 203198 (VCV000203198.2), dbSNP rs794729594, ClinGen allele CA311653.

ClinVar aggregate classification (germline): Uncertain significance (1 of 4 stars; one submission).

Allele frequency attached by ClinVar (database versions not stated): gnomAD exomes below 0.00001.
gnomAD v4.1: 3 of 1,612,564 alleles (0.00019%); highest among the groups gnomAD compares: Non-Finnish European, 0.00025%; no homozygotes.

Submission:

GeneDx
Classification: Uncertain significance. Last evaluated: 2014-09-30. Review status: criteria provided, single submitter. Criteria: GeneDx Variant Classification (06012015). Collection method: clinical testing. Allele origin: germline. Affected: yes.
Comment: Missense variants in the TTN gene are considered 'unclassified' if they are not previously reported in the literature and do not have >1% frequency in the population to be considered a polymorphism. Research indicates that truncating mutations in the TTN gene are expected to account for approximately 25% of familial and 18% of sporadic idiopathic DCM; however, truncating variants in the TTN gene have been reported in approximately 3% of reported control alleles. There has been little investigation into non-truncating variants. (Herman D et al. Truncations of titin causing dilated cardiomyopathy. N Eng J Med 366:619-628, 2012) The variant is found in CARDIOMYOPATHY panel(s).